The following is an entry in ClinVar:

ClinVar aggregate classification (germline): Conflicting classifications of pathogenicity. Review status: criteria provided, conflicting classifications (1 of 4 stars). 3 submissions from 3 submitters: Uncertain significance (2); Likely benign (1). Last evaluated 2025-06-10.

Conditions:
Cardiovascular phenotype. Identifiers: MedGen CN230736.
Familial hypobetalipoproteinemia 1. Also called: Hypobetalipoproteinemia, normotriglyceridemic; Acanthocytosis with hypobetalipoproteinemia; APOB-Related Familial Hypobetalipoproteinemia. Identifiers: MedGen C4551990, MONDO:0014252, OMIM 615558.
Hypercholesterolemia, autosomal dominant, type B (FHCL2). Also called: Familial Hypercholesterolemia Type B; APOLIPOPROTEIN B-100, FAMILIAL DEFECTIVE; APOLIPOPROTEIN B-100, FAMILIAL LIGAND-DEFECTIVE; HYPERCHOLESTEROLEMIA, FAMILIAL, DUE TO LIGAND-DEFECTIVE APOLIPOPROTEIN B; Familial hypercholesterolemia 2; APOB-Related Familial Hypercholesterolemia, Autosomal Dominant. Identifiers: MedGen C1704417, MONDO:0007751, OMIM 144010.

Allele frequency attached by ClinVar (database versions not stated): ExAC 0.00001; gnomAD 0.00002; TOPMed 0.00002.
gnomAD v4.1: 8 of 1,614,002 alleles (0.0005%); highest among the groups gnomAD compares: Middle Eastern, 0.016%; no homozygotes.

Submissions (3):

Labcorp Genetics (formerly Invitae), Labcorp
Classification: Likely benign for Familial hypobetalipoproteinemia 1; Hypercholesterolemia, autosomal dominant, type B. Last evaluated: 2025-06-10. Review status: criteria provided, single submitter. Criteria: Invitae Variant Classification Sherloc (09022015). Collection method: clinical testing. Allele origin: germline.

Ambry Genetics
Classification: Uncertain significance for Cardiovascular phenotype. Last evaluated: 2023-10-05. Review status: criteria provided, single submitter. Criteria: Ambry Variant Classification Scheme 2023. Collection method: clinical testing. Allele origin: germline.
Comment: The p.S909L variant (also known as c.2726C>T), located in coding exon 18 of the APOB gene, results from a C to T substitution at nucleotide position 2726. The serine at codon 909 is replaced by leucine, an amino acid with dissimilar properties. This amino acid position is conserved. In addition, this alteration is predicted to be tolerated by in silico analysis. Since supporting evidence is limited at this time, the clinical significance of this alteration remains unclear.

GeneDx
Classification: Uncertain significance. Last evaluated: 2022-07-05. Review status: criteria provided, single submitter. Criteria: GeneDx Variant Classification Process June 2021. Collection method: clinical testing. Allele origin: germline. Affected: yes.
Comment: Not observed at significant frequency in large population cohorts (gnomAD); In silico analysis supports that this missense variant has a deleterious effect on protein structure/function; Has not been previously published as pathogenic or benign to our knowledge

NM_000384.3(APOB):c.2726C>T (p.Ser909Leu)

Gene: APOB (apolipoprotein B; minus strand). Cytogenetic location: 2p24.1.
Variant type: single nucleotide variant.
Coding change: c.2726C>T on transcript NM_000384.3 (MANE Select); coding-DNA position 2726, C replaced by T.
Protein change: p.Ser909Leu; replaces serine 909 with leucine.
Molecular consequence: missense variant.
Genome position (GRCh38, 1-based): chr2:21,022,921, G>A on the plus strand (C>T on the coding strand, the complement: APOB is on the minus strand). VCF-style: chr2-21022921-G-A. GRCh37 (hg19) VCF-style: chr2-21245793-G-A.
Other names: short protein forms S909L.
Identifiers: ClinVar variation 1810626 (VCV001810626.3), dbSNP rs776209966, ClinGen allele CA057093.